The following is an entry in ClinVar:

NM_000179.3(MSH6):c.302_305dup (p.Tyr103fs)

Gene: MSH6 (mutS homolog 6; plus strand). Cytogenetic location: 2p16.3.
Variant type: Duplication.
Coding change: c.302_305dup on transcript NM_000179.3 (MANE Select); coding-DNA positions 302 to 305, 4 bases duplicated (AGGG; older notation c.302_305dupAGGG).
Protein change: p.Tyr103fs; shifts the reading frame from tyrosine 103.
Molecular consequence: frameshift variant. On other transcripts: 5 prime UTR variant (7), initiator codon variant (13), non-coding transcript variant (5), splice donor variant (1), intron variant (5).
Genome position (GRCh38, 1-based): chr2:47,790,968-47,790,971, AGGG duplicated; duplicating any 4 consecutive bases within chr2:47,790,966-47,790,971 gives the same sequence; the c. name uses the placement nearest the transcript's 3' end. VCF-style (leftmost placement, unchanged base first): chr2-47790965-T-TGGAG. GRCh37 (hg19) VCF-style: chr2-48018104-T-TGGAG.
Other names: c.-435_-432dup (NM_001281493.2, NM_001406811.1, NM_001406823.1 and 1 more transcripts); c.-601_-598dup (NM_001281494.2); c.398_401dup, p.Tyr135fs (NM_001406795.1, NM_001406802.1); c.302_305dup, p.Tyr103fs (NM_001406796.1, NM_001406798.1, NM_001406800.1 and 6 more transcripts); c.5_8dup, p.Tyr4fs (NM_001406797.1, NM_001406801.1, NM_001406805.1 and 10 more transcripts); c.224_227dup, p.Tyr77fs (NM_001406804.1); c.-627_-624dup (NM_001406807.1); c.-693_-690dup (NM_001406814.1); and 6 more; short protein forms Y103fs, Y135fs, Y47fs, Y4fs, Y77fs.
Identifiers: ClinVar variation 2673658 (VCV002673658.1), dbSNP rs2530432845, ClinGen allele CA2695200721.

ClinVar aggregate classification (germline): Pathogenic (1 of 4 stars; one submission).

Conditions:
Lynch syndrome 5 (LYNCH5). Also called: Colorectal cancer, hereditary nonpolyposis, type 5; Hereditary non-polyposis colorectal cancer, type 5. Identifiers: Orphanet 144, MedGen C1833477, MONDO:0013710, OMIM 614350. Disease mechanism: loss of function.

Submission:

Myriad Genetics, Inc.
Classification: Pathogenic for Lynch syndrome 5. Last evaluated: 2023-08-10. Review status: criteria provided, single submitter. Criteria: Myriad Autosomal Dominant, Autosomal Recessive and X-Linked Classification Criteria (2023). Collection method: clinical testing. Allele origin: unknown.
Comment: This variant is considered pathogenic. This variant creates a frameshift predicted to result in premature protein truncation.